The following is an entry in ClinVar:

NM_182961.4(SYNE1):c.13671A>G (p.Leu4557=)

Gene: SYNE1 (spectrin repeat containing nuclear envelope protein 1; minus strand). Cytogenetic location: 6q25.2.
Variant type: single nucleotide variant.
Coding change: c.13671A>G on transcript NM_182961.4 (MANE Select); coding-DNA position 13671, A replaced by G.
Protein change: p.Leu4557=; no amino-acid change (leucine 4557 retained).
Molecular consequence: synonymous variant.
Genome position (GRCh38, 1-based): chr6:152,331,014, T>C on the plus strand (A>G on the coding strand, the complement: SYNE1 is on the minus strand). VCF-style: chr6-152331014-T-C. GRCh37 (hg19) VCF-style: chr6-152652149-T-C.
Other names: c.13458A>G, p.Leu4486= (NM_033071.5).
Identifiers: ClinVar variation 5041120 (VCV005041120.1).

ClinVar aggregate classification (germline): Likely benign (1 of 4 stars; one submission).

gnomAD v4.1: 11 of 1,614,064 alleles (0.00068%); highest among the groups gnomAD compares: African/African-American, 0.004%; no homozygotes.

Submission:

CeGaT Center for Human Genetics Tuebingen
Classification: Likely benign. Last evaluated: 2026-09-01. Review status: criteria provided, single submitter. Criteria: CeGaT Center For Human Genetics Tuebingen Variant Classification Criteria Version 2. Collection method: clinical testing. Allele origin: germline. Affected: yes. Observed: 1 variant allele.
Comment: SYNE1: BP4, BP7